The following is an entry in ClinVar:

NM_024079.5(ALG8):c.786_787delinsAG (p.Pro263Ala)

Gene: ALG8 (ALG8 alpha-1,3-glucosyltransferase; minus strand). Cytogenetic location: 11q14.1.
Variant type: Indel.
Coding change: c.786_787delinsAG on transcript NM_024079.5 (MANE Select); coding-DNA positions 786 to 787, GC replaced by AG.
Protein change: p.Pro263Ala; replaces proline 263 with alanine.
Molecular consequence: missense variant. On other transcripts: non-coding transcript variant (2), intron variant (2).
Genome position (GRCh38, 1-based): chr11:78,112,761-78,112,762, GC replaced by CT on the plus strand (GC replaced by AG on the coding strand, the reverse complement: ALG8 is on the minus strand). VCF-style: chr11-78112761-GC-CT. GRCh37 (hg19) VCF-style: chr11-77823807-GC-CT.
Other names: c.786_787delinsAG, p.Pro263Ala (NM_001007027.3, NM_001425221.1, NM_001425222.1 and 8 more transcripts); c.789_790delinsAG, p.Pro264Ala (NM_001425219.1); c.771_772delinsAG, p.Pro258Ala (NM_001425220.1); c.780_781delinsAG, p.Pro261Ala (NM_001425223.1); c.879_880delinsAG, p.Pro294Ala (NM_001425224.1); c.633_634delinsAG, p.Pro212Ala (NM_001425226.1, NM_001425235.1, NM_001425236.1); c.585_586delinsAG, p.Pro196Ala (NM_001425231.1); c.522_523delinsAG, p.Pro175Ala (NM_001425234.1, NM_001425239.1); and 5 more; short protein forms A228S, P175A, P196A, P212A, P258A, P261A, P263A, P264A.
Identifiers: ClinVar variation 4527583 (VCV004527583.1).
Genomic context (GRCh38, chr11:78,112,761, plus strand): 5'-GAGCCCAATATGCATGACAGAGGCCCCTCTTGAAAGGAAAGAGTCGGGAAAAGACTTGAG[GC>CT]AGCTGATTCTGTTGAAAAGAGAAATGAAACTGATTAAACAGTCATCAATCTTTTTCAAAT-3'
Protein context (NP_076984.2, residues 253-273): LGPFLALNQL[Pro263Ala]QVFSRLFPFK

ClinVar aggregate classification (germline): Uncertain significance (1 of 4 stars; one submission).

Submission:

GeneDx
Classification: Uncertain significance. Last evaluated: 2025-04-24. Review status: criteria provided, single submitter. Criteria: GeneDx Variant Classification Process June 2021. Collection method: clinical testing. Allele origin: germline. Affected: yes.
Comment: Not observed at significant frequency in large population cohorts (gnomAD); In silico analysis supports a deleterious effect on protein structure/function; Has not been previously published as pathogenic or benign to our knowledge